The following is an entry in ClinVar:

NM_001232.4(CASQ2):c.202A>C (p.Lys68Gln)

Gene: CASQ2 (calsequestrin 2; minus strand). Cytogenetic location: 1p13.1.
Variant type: single nucleotide variant.
Coding change: c.202A>C on transcript NM_001232.4 (MANE Select); coding-DNA position 202, A replaced by C.
Protein change: p.Lys68Gln; replaces lysine 68 with glutamine.
Molecular consequence: missense variant.
Genome position (GRCh38, 1-based): chr1:115,768,340, T>G on the plus strand (A>C on the coding strand, the complement: CASQ2 is on the minus strand). VCF-style: chr1-115768340-T-G. GRCh37 (hg19) VCF-style: chr1-116310961-T-G.
Other names: short protein forms K68Q.
Identifiers: ClinVar variation 3221460 (VCV003221460.1), dbSNP rs2526105960, ClinGen allele CA341767031.

ClinVar aggregate classification (germline): Uncertain significance (1 of 4 stars; one submission).

Conditions:
Cardiovascular phenotype. Identifiers: MedGen CN230736.

Submission:

Ambry Genetics
Classification: Uncertain significance for Cardiovascular phenotype. Last evaluated: 2023-12-10. Review status: criteria provided, single submitter. Criteria: Ambry Variant Classification Scheme 2023. Collection method: clinical testing. Allele origin: germline.
Comment: The p.K68Q variant (also known as c.202A>C), located in coding exon 1 of the CASQ2 gene, results from an A to C substitution at nucleotide position 202. The lysine at codon 68 is replaced by glutamine, an amino acid with similar properties. This amino acid position is conserved. In addition, this alteration is predicted to be tolerated by in silico analysis. Since supporting evidence is limited at this time, the clinical significance of this alteration remains unclear.